The following is an entry in ClinVar:

ClinVar aggregate classification (germline): Uncertain significance (1 of 4 stars; one submission).

Conditions:
Cardiovascular phenotype. Identifiers: MedGen CN230736.

Allele frequency attached by ClinVar (database versions not stated): gnomAD exomes below 0.00001; TOPMed below 0.00001; gnomAD 0.00001.
gnomAD v4.1: 7 of 1,613,868 alleles (0.00043%); highest among the groups gnomAD compares: Non-Finnish European, 0.00059%; no homozygotes.

Submission:

Ambry Genetics
Classification: Uncertain significance for Cardiovascular phenotype. Last evaluated: 2023-09-06. Review status: criteria provided, single submitter. Criteria: Ambry Variant Classification Scheme 2023. Collection method: clinical testing. Allele origin: germline.
Comment: The p.A2045T variant (also known as c.6133G>A), located in coding exon 26 of the APOB gene, results from a G to A substitution at nucleotide position 6133. The alanine at codon 2045 is replaced by threonine, an amino acid with similar properties. This amino acid position is not well conserved in available vertebrate species. In addition, this alteration is predicted to be tolerated by in silico analysis. Since supporting evidence is limited at this time, the clinical significance of this alteration remains unclear.

NM_000384.3(APOB):c.6133G>A (p.Ala2045Thr)

Gene: APOB (apolipoprotein B; minus strand). Cytogenetic location: 2p24.1.
Variant type: single nucleotide variant.
Coding change: c.6133G>A on transcript NM_000384.3 (MANE Select); coding-DNA position 6133, G replaced by A.
Protein change: p.Ala2045Thr; replaces alanine 2045 with threonine.
Molecular consequence: missense variant.
Genome position (GRCh38, 1-based): chr2:21,010,735, C>T on the plus strand (G>A on the coding strand, the complement: APOB is on the minus strand). VCF-style: chr2-21010735-C-T. GRCh37 (hg19) VCF-style: chr2-21233607-C-T.
Other names: short protein forms A2045T.
Identifiers: ClinVar variation 2586193 (VCV002586193.2), dbSNP rs1292510421, ClinGen allele CA346002538.